The following is an entry in ClinVar:

NM_021927.3(GUF1):c.-41G>C

Gene: GUF1 (GTP binding elongation factor GUF1; plus strand). Cytogenetic location: 4p12.
Variant type: single nucleotide variant.
Coding change: c.-41G>C on transcript NM_021927.3 (MANE Select); 41 bases upstream of the start codon, G replaced by C.
Molecular consequence: 5 prime UTR variant.
Genome position (GRCh38, 1-based): chr4:44,678,582, G>C. VCF-style: chr4-44678582-G-C. GRCh37 (hg19) VCF-style: chr4-44680599-G-C.
Other names: c.-1009G>C (NM_001345867.2); c.-41G>C (NM_001345868.2); c.-901G>C (NM_001345869.2).
Identifiers: ClinVar variation 1879604 (VCV001879604.29), dbSNP rs73249444, ClinGen allele CA2905141.
Genomic context (GRCh38, chr4:44,678,582, plus strand): 5'-GTCCTGTCCACCGGATCCTACGGGGGGTACCTTCGAAAAAAAACGGGCTATGCTGCTGTT[G>C]CGTGTGGGTACCCTCTCCTGACGCCTCCGCCGCCCGGGTCATGTGGACCCTCGTGGGTCG-3'

ClinVar aggregate classification (germline): Likely benign (1 of 4 stars; one submission).

Allele frequency attached by ClinVar (database versions not stated): ESP Exome Variant Server 0.00156; 1000 Genomes Project 0.00300; 1000 Genomes Project 30x 0.00312; gnomAD 0.00360; ExAC 0.00495; gnomAD exomes 0.00498.
gnomAD v4.1: 6,829 of 1,425,384 alleles (0.48%); highest among the groups gnomAD compares: Non-Finnish European, 0.54%; 15 homozygotes.

Submission:

CeGaT Center for Human Genetics Tuebingen
Classification: Likely benign. Last evaluated: 2022-11-01. Review status: criteria provided, single submitter. Criteria: CeGaT Center For Human Genetics Tuebingen Variant Classification Criteria Version 2. Collection method: clinical testing. Allele origin: germline. Affected: yes. Observed: 2 variant alleles.
Comment: GUF1: BS2